The following is an entry in ClinVar:

ClinVar aggregate classification (germline): Likely benign. Review status: criteria provided, multiple submitters, no conflicts (2 of 4 stars). 5 submissions from 5 submitters: Likely benign (5). Last evaluated 2026-01-08.

Conditions:
KCNE2-related disorder. Also called: KCNE2-Related Disorders; KCNE2-related condition. Identifiers: MedGen CN239320.
Long QT syndrome 6 (LQT6). Identifiers: Orphanet 101016, Orphanet 768, MedGen C3150953, MONDO:0013370, OMIM 613693.
Cardiovascular phenotype. Identifiers: MedGen CN230736.

Allele frequency attached by ClinVar (database versions not stated): gnomAD 0.00002; gnomAD exomes 0.00003 and 0.00006; TOPMed 0.00004; ExAC 0.00007.
gnomAD v4.1: 45 of 1,613,972 alleles (0.0028%); highest among the groups gnomAD compares: East Asian, 0.056%; no homozygotes.

Submissions (5):

Labcorp Genetics (formerly Invitae), Labcorp
Classification: Likely benign for Long QT syndrome 6. Last evaluated: 2026-01-08. Review status: criteria provided, single submitter. Criteria: Invitae Variant Classification Sherloc (09022015). Collection method: clinical testing. Allele origin: germline.

Molecular Diagnostic Laboratory for Inherited Cardiovascular Disease, Montreal Heart Institute
Classification: Likely benign. Last evaluated: 2025-04-09. Review status: criteria provided, single submitter. Criteria: ACMG Guidelines, 2015. Collection method: clinical testing. Allele origin: germline. Affected: no.

Ambry Genetics
Classification: Likely benign for Cardiovascular phenotype. Last evaluated: 2024-10-29. Review status: criteria provided, single submitter. Criteria: Ambry Variant Classification Scheme 2023. Collection method: clinical testing. Allele origin: germline.

PreventionGenetics, part of Exact Sciences
Classification: Likely benign for KCNE2-related condition. Last evaluated: 2024-10-20. Review status: criteria provided, single submitter. Criteria: ACMG Guidelines, 2015. Collection method: clinical testing. Allele origin: germline.
Comment: This variant is classified as likely benign based on ACMG/AMP sequence variant interpretation guidelines (Richards et al. 2015 PMID: 25741868, with internal and published modifications).

Blueprint Genetics
Classification: Likely benign. Last evaluated: 2024-03-02. Review status: criteria provided, single submitter. Criteria: ACMG Guidelines, 2015. Collection method: clinical testing. Allele origin: germline.

NM_172201.2(KCNE2):c.348G>A (p.Ala116=)

Genes: KCNE2 (potassium voltage-gated channel subfamily E regulatory subunit 2; plus strand), LOC105372791 (uncharacterized LOC105372791; minus strand). Cytogenetic location: 21q22.11.
Variant type: single nucleotide variant.
Coding change: c.348G>A on transcript NM_172201.2 (MANE Select); coding-DNA position 348, G replaced by A.
Protein change: p.Ala116=; no amino-acid change (alanine 116 retained).
Molecular consequence: synonymous variant.
Genome position (GRCh38, 1-based): chr21:34,370,826, G>A. VCF-style: chr21-34370826-G-A. GRCh37 (hg19) VCF-style: chr21-35743125-G-A.
Identifiers: ClinVar variation 700968 (VCV000700968.14), dbSNP rs16991657, ClinGen allele CA10013445.
Genomic context (GRCh38, chr21:34,370,826, plus strand): 5'-CAAGAGCCAAATCTTGAATCTAGAAGAATCGAAGGCCACCATCCATGAGAACATTGGTGC[G>A]GCTGGGTTCAAAATGTCCCCCTGATAAGGGAGAAAGGCACCAAGCTAACATCTGACGTCC-3'
Protein context (NP_751951.1, residues 106-123): SKATIHENIG[Ala116=]AGFKMSP